The following is an entry in ClinVar:

NM_000051.4(ATM):c.2377-17G>A

Gene: ATM (ATM serine/threonine kinase; plus strand). Cytogenetic location: 11q22.3.
Variant type: single nucleotide variant.
Coding change: c.2377-17G>A on transcript NM_000051.4 (MANE Select); 17 bases into the intron before coding-DNA position 2377, G replaced by A.
Molecular consequence: intron variant.
Genome position (GRCh38, 1-based): chr11:108,258,969, G>A. VCF-style: chr11-108258969-G-A. GRCh37 (hg19) VCF-style: chr11-108129696-G-A.
Other names: c.2377-17G>A (NM_001351834.2).
Identifiers: ClinVar variation 3254108 (VCV003254108.1), dbSNP rs192105604.

ClinVar aggregate classification (germline): Likely benign (1 of 4 stars; one submission).

Conditions:
Familial cancer of breast. Also called: BREAST CANCER, FAMILIAL; Hereditary breast cancer; hereditary breast carcinoma. Identifiers: Orphanet 227535, MedGen C0346153, MONDO:0016419, OMIM 114480. Disease mechanism: loss of function.

Submission:

Myriad Genetics, Inc.
Classification: Likely benign for Familial cancer of breast. Last evaluated: 2024-05-08. Review status: criteria provided, single submitter. Criteria: Myriad Autosomal Dominant, Autosomal Recessive and X-Linked Classification Criteria (2023). Collection method: clinical testing. Allele origin: unknown.
Comment: This variant is considered likely benign. This variant is intronic and is not expected to impact mRNA splicing.